The following is an entry in ClinVar:

ClinVar aggregate classification (germline): Uncertain significance (1 of 4 stars; one submission).

Submission:

GeneDx
Classification: Uncertain significance. Last evaluated: 2022-08-26. Review status: criteria provided, single submitter. Criteria: GeneDx Variant Classification Process June 2021. Collection method: clinical testing. Allele origin: germline. Affected: yes.
Comment: Not observed at significant frequency in large population cohorts (gnomAD); Has not been previously published as pathogenic or benign to our knowledge; In-silico analysis is inconclusive as to whether the variant alters gene splicing. In the absence of RNA/functional studies, the actual effect of this sequence change is unknown.

NM_018238.4(AGK):c.25C>A (p.Arg9=)

Gene: AGK (acylglycerol kinase; plus strand). Cytogenetic location: 7q34.
Variant type: single nucleotide variant.
Coding change: c.25C>A on transcript NM_018238.4 (MANE Select); coding-DNA position 25, C replaced by A.
Protein change: p.Arg9=; no amino-acid change (arginine 9 retained).
Molecular consequence: synonymous variant.
Genome position (GRCh38, 1-based): chr7:141,555,491, C>A. VCF-style: chr7-141555491-C-A. GRCh37 (hg19) VCF-style: chr7-141255291-C-A.
Other names: c.25C>A, p.Arg9= (NM_001364948.3).
Identifiers: ClinVar variation 2430905 (VCV002430905.1), dbSNP rs139967538, ClinGen allele CA458148975.